The following is an entry in ClinVar:

NM_182925.5(FLT4):c.982C>T (p.His328Tyr)

Gene: FLT4 (fms related receptor tyrosine kinase 4; minus strand). Cytogenetic location: 5q35.3.
Variant type: single nucleotide variant.
Coding change: c.982C>T on transcript NM_182925.5 (MANE Select); coding-DNA position 982, C replaced by T.
Protein change: p.His328Tyr; replaces histidine 328 with tyrosine.
Molecular consequence: missense variant.
Genome position (GRCh38, 1-based): chr5:180,629,262, G>A on the plus strand (C>T on the coding strand, the complement: FLT4 is on the minus strand). VCF-style: chr5-180629262-G-A. GRCh37 (hg19) VCF-style: chr5-180056262-G-A.
Other names: c.982C>T, p.His328Tyr (NM_001354989.2, NM_002020.5); short protein forms H328Y.
Identifiers: ClinVar variation 3364866 (VCV003364866.1).

ClinVar aggregate classification (germline): Uncertain significance (1 of 4 stars; one submission).

gnomAD v4.1: 3 of 1,613,018 alleles (0.00019%); highest among the groups gnomAD compares: Non-Finnish European, 0.00025%; no homozygotes.

Submission:

GeneDx
Classification: Uncertain significance. Last evaluated: 2023-11-22. Review status: criteria provided, single submitter. Criteria: GeneDx Variant Classification Process June 2021. Collection method: clinical testing. Allele origin: germline. Affected: yes.
Comment: Not observed at significant frequency in large population cohorts (gnomAD); In silico analysis supports that this missense variant does not alter protein structure/function; In silico analysis suggests this variant may impact gene splicing. In the absence of RNA/functional studies, the actual effect of this sequence change is unknown.; Has not been previously published as pathogenic or benign to our knowledge